The following is an entry in ClinVar:

NM_000161.3(GCH1):c.747G>T (p.Arg249Ser)

Gene: GCH1 (GTP cyclohydrolase 1; minus strand). Cytogenetic location: 14q22.2.
Variant type: single nucleotide variant.
Coding change: c.747G>T on transcript NM_000161.3 (MANE Select); coding-DNA position 747, G replaced by T.
Protein change: p.Arg249Ser; replaces arginine 249 with serine.
Molecular consequence: missense variant. On other transcripts: intron variant (3).
Genome position (GRCh38, 1-based): chr14:54,844,023, C>A on the plus strand (G>T on the coding strand, the complement: GCH1 is on the minus strand). VCF-style: chr14-54844023-C-A. GRCh37 (hg19) VCF-style: chr14-55310741-C-A.
Other names: c.747G>T, p.Arg249Ser (NM_001024024.2); c.453G>T, p.Arg151Ser (NM_001424105.1); c.510-969G>T (NM_001424104.1); c.627-969G>T (NM_001024071.2); c.627-154G>T (NM_001024070.2); short protein forms R151S, R249S.
Identifiers: ClinVar variation 3761586 (VCV003761586.2).

ClinVar aggregate classification (germline): Uncertain significance (1 of 4 stars; one submission).

Conditions:
GTP cyclohydrolase I deficiency. Identifiers: MedGen C0268467, MONDO:0100184.
Dystonia 5 (DRD). Also called: DYSTONIA, PROGRESSIVE, WITH DIURNAL VARIATION; DYSTONIA-PARKINSONISM WITH DIURNAL FLUCTUATION; Dystonia, DOPA-responsive, with or without hyperphenylalaninemia; GTP Cyclohydrolase 1-Deficient Dopa-Responsive Dystonia; DYT-GCH1. Identifiers: Orphanet 98808, MedGen C1851920, MONDO:0007495, OMIM 128230.

gnomAD v4.1: 2 of 1,614,172 alleles (0.00012%); highest among the groups gnomAD compares: African/African-American, 0.0013%; no homozygotes.

Submission:

Labcorp Genetics (formerly Invitae), Labcorp
Classification: Uncertain significance for GTP cyclohydrolase I deficiency; Dystonia 5. Last evaluated: 2024-06-07. Review status: criteria provided, single submitter. Criteria: Invitae Variant Classification Sherloc (09022015). Collection method: clinical testing. Allele origin: germline.
Comment: This sequence change replaces arginine, which is basic and polar, with serine, which is neutral and polar, at codon 249 of the GCH1 protein (p.Arg249Ser). This variant is not present in population databases (gnomAD no frequency). This missense change has been observed in individual(s) with autosomal recessive GCH1-related conditions (PMID: 10987649). Advanced modeling of protein sequence and biophysical properties (such as structural, functional, and spatial information, amino acid conservation, physicochemical variation, residue mobility, and thermodynamic stability) performed at Invitae indicates that this missense variant is not expected to disrupt GCH1 protein function with a negative predictive value of 95%. Experimental studies have shown that this missense change affects GCH1 function (PMID: 10987649). In summary, the available evidence is currently insufficient to determine the role of this variant in disease. Therefore, it has been classified as a Variant of Uncertain Significance.

Literature cited by the submitters: PubMed 10987649.